The following is an entry in ClinVar:

ClinVar aggregate classification (germline): Benign/Likely benign. Review status: criteria provided, multiple submitters, no conflicts (2 of 4 stars). 3 submissions from 3 submitters: Benign (2); Likely benign (1). Last evaluated 2022-03-03.

Conditions:
Occult macular dystrophy (OCMD). Also called: OMD; OCCULT MACULAR DYSTROPHY, SUSCEPTIBILITY TO. Identifiers: Orphanet 247834, MedGen C3150833, MONDO:0013316, OMIM 613587, HP:0030636.
Retinitis pigmentosa 88. Identifiers: MedGen C5394208, MONDO:0032940, OMIM 618826.

Allele frequency attached by ClinVar (database versions not stated): ESP Exome Variant Server 0.00008; gnomAD 0.00011 and 0.00102; TOPMed 0.00023; gnomAD exomes 0.00160 and 0.00303; ExAC 0.00346; 1000 Genomes Project 30x 0.00718; 1000 Genomes Project 0.00719.
gnomAD v4.1: 2,487 of 1,607,184 alleles (0.15%); highest among the groups gnomAD compares: South Asian, 2.4%; 66 homozygotes.

Submissions (3):

Fulgent Genetics
Classification: Likely benign for Occult macular dystrophy; Retinitis pigmentosa 88. Last evaluated: 2022-03-03. Review status: criteria provided, single submitter. Criteria: ACMG Guidelines, 2015. Collection method: clinical testing. Allele origin: unknown.

Illumina Laboratory Services, Illumina
Classification: Benign for Occult macular dystrophy. Last evaluated: 2018-01-13. Review status: criteria provided, single submitter. Criteria: ICSL Variant Classification Criteria 13 December 2019. Collection method: clinical testing. Allele origin: germline.
Comment: This variant was observed in the ICSL laboratory as part of a predisposition screen in an ostensibly healthy population. It had not been previously curated by ICSL or reported in the Human Gene Mutation Database (HGMD: prior to June 1st, 2018), and was therefore a candidate for classification through an automated scoring system. Utilizing variant allele frequency, disease prevalence and penetrance estimates, and inheritance mode, an automated score was calculated to assess if this variant is too frequent to cause the disease. Based on the score and internal cut-off values, a variant classified as benign is not then subjected to further curation. The score for this variant resulted in a classification of benign for this disease.

Breakthrough Genomics
Classification: Benign. Review status: criteria provided, single submitter. Criteria: ACMG Guidelines, 2015. Collection method: not provided. Allele origin: germline. Inheritance: Autosomal recessive inheritance. Affected: yes.

NM_178857.6(RP1L1):c.4482A>G (p.Gln1494=)

Gene: RP1L1 (RP1 like 1). Cytogenetic location: 8p23.1.
Variant type: single nucleotide variant.
Coding change: c.4482A>G on transcript NM_178857.6 (MANE Select); coding-DNA position 4482, A replaced by G.
Protein change: p.Gln1494=; no amino-acid change (glutamine 1494 retained).
Molecular consequence: synonymous variant.
Genome position (GRCh38, 1-based): chr8:10,609,616, T>C on the plus strand (A>G on the coding strand, the complement: RP1L1 is on the minus strand). VCF-style: chr8-10609616-T-C. GRCh37 (hg19) VCF-style: chr8-10467126-T-C.
Identifiers: ClinVar variation 361277 (VCV000361277.7), dbSNP rs201357374, ClinGen allele CA4624009.